The following is an entry in ClinVar:

NM_001009944.3(PKD1):c.71_81del (p.Gly24fs)

Gene: PKD1 (polycystin 1, transient receptor potential channel interacting; minus strand). Cytogenetic location: 16p13.3.
Variant type: Deletion.
Coding change: c.71_81del on transcript NM_001009944.3 (MANE Select); coding-DNA positions 71 to 81, 11 bases deleted (GGGGCCCCGGG).
Protein change: p.Gly24fs; shifts the reading frame from glycine 24.
Molecular consequence: frameshift variant.
Genome position (GRCh38, 1-based): chr16:2,135,609-2,135,619, CCCGGGGCCCC deleted on the plus strand (GGGGCCCCGGG on the coding strand, the reverse complement: PKD1 is on the minus strand); deleting any 11 consecutive bases within chr16:2,135,609-2,135,621 gives the same sequence; the c. name uses the placement nearest the transcript's 3' end. VCF-style (leftmost placement, unchanged base first): chr16-2135608-GCCCGGGGCCCC-G. GRCh37 (hg19) VCF-style: chr16-2185609-GCCCGGGGCCCC-G.
Other names: c.69_79del (NM_001009944.3); c.71_81del, p.Gly24fs (NM_000296.4); short protein forms G24fs.
Identifiers: ClinVar variation 3374704 (VCV003374704.2).

ClinVar aggregate classification (germline): Pathogenic (1 of 4 stars; one submission).

Conditions:
Polycystic kidney disease, adult type (PKD1). Also called: POLYCYSTIC KIDNEY DISEASE, ADULT, TYPE I; Polycystic Kidney Disease 1, Autosomal Dominant; Polycystic kidney disease 1; Polycystic kidney disease 1, severe; Polycystic Kidney, Autosomal Dominant; POLYCYSTIC KIDNEY DISEASE 1 WITH OR WITHOUT POLYCYSTIC LIVER DISEASE. Identifiers: MedGen C3149841, MONDO:0008263, OMIM 173900.

Submission:

Molecular Genetics Laboratory, Motol Hospital
Classification: Pathogenic for Polycystic kidney disease, adult type. Last evaluated: 2024-11-06. Review status: criteria provided, single submitter. Criteria: ACMG Guidelines, 2015. Collection method: clinical testing. Allele origin: maternal. Affected: yes. Observed: 2 variant alleles.
Comment: The variant was confirmed to segregate with phenotype in the reported family. Rare truncating variations of PKD1 gene were well documented as causative in the pathogenesis of ADPKD (OMIM:173900) (PMID:33602752;38194940;23431072). To conclude, the variant is classified as pathogenic (ACMG PVS1, PM2, PP1).

Literature cited by the submitters: PubMed 33602752; PubMed 38194940; PubMed 23431072.